The following is an entry in ClinVar:

ClinVar aggregate classification (germline): Uncertain significance. Review status: criteria provided, multiple submitters, no conflicts (2 of 4 stars). 2 submissions from 2 submitters: Uncertain significance (2). Last evaluated 2024-12-19.

Conditions:
Dilated cardiomyopathy 1AA (CMD1AA). Also called: CARDIOMYOPATHY, DILATED, 1AA, WITH OR WITHOUT LEFT VENTRICULAR NONCOMPACTION; CARDIOMYOPATHY, FAMILIAL HYPERTROPHIC, 23, WITH OR WITHOUT LEFT VENTRICULAR NONCOMPACTION; Cardiomyopathy, dilated, 1AA, with or without LVNC. Identifiers: Orphanet 154, MedGen C2677338, MONDO:0012808, OMIM 612158.
Primary familial hypertrophic cardiomyopathy (HCM). Identifiers: Orphanet 99739, MedGen C0949658, MeSH D024741, MONDO:0024573. Inheritance: Various modes of inheritance.
Cardiovascular phenotype. Identifiers: MedGen CN230736.

Submissions (2):

Labcorp Genetics (formerly Invitae), Labcorp
Classification: Uncertain significance for Primary familial hypertrophic cardiomyopathy; Dilated cardiomyopathy 1AA. Last evaluated: 2024-12-19. Review status: criteria provided, single submitter. Criteria: Invitae Variant Classification Sherloc (09022015). Collection method: clinical testing. Allele origin: germline.
Comment: This sequence change replaces serine, which is neutral and polar, with proline, which is neutral and non-polar, at codon 147 of the ACTN2 protein (p.Ser147Pro). This variant is not present in population databases (gnomAD no frequency). This variant has not been reported in the literature in individuals affected with ACTN2-related conditions. ClinVar contains an entry for this variant (Variation ID: 263761). Invitae Evidence Modeling of protein sequence and biophysical properties (such as structural, functional, and spatial information, amino acid conservation, physicochemical variation, residue mobility, and thermodynamic stability) indicates that this missense variant is not expected to disrupt ACTN2 protein function with a negative predictive value of 80%. In summary, the available evidence is currently insufficient to determine the role of this variant in disease. Therefore, it has been classified as a Variant of Uncertain Significance.

Ambry Genetics
Classification: Uncertain significance for Cardiovascular phenotype. Last evaluated: 2020-09-17. Review status: criteria provided, single submitter. Criteria: Ambry Autosomal Dominant and X-Linked criteria (7/2020). Collection method: clinical testing. Allele origin: germline. Observed: 1 variant allele.
Comment: The p.S147P variant (also known as c.439T>C), located in coding exon 4 of the ACTN2 gene, results from a T to C substitution at nucleotide position 439. The serine at codon 147 is replaced by proline, an amino acid with similar properties. This amino acid position is highly conserved in available vertebrate species. In addition, the in silico prediction for this alteration is inconclusive. Since supporting evidence is limited at this time, the clinical significance of this alteration remains unclear.

NM_001103.4(ACTN2):c.439T>C (p.Ser147Pro)

Gene: ACTN2 (actinin alpha 2; plus strand). Cytogenetic location: 1q43.
Variant type: single nucleotide variant.
Coding change: c.439T>C on transcript NM_001103.4 (MANE Select); coding-DNA position 439, T replaced by C.
Protein change: p.Ser147Pro; replaces serine 147 with proline.
Molecular consequence: missense variant. On other transcripts: 5 prime UTR variant (1).
Genome position (GRCh38, 1-based): chr1:236,720,182, T>C. VCF-style: chr1-236720182-T-C. GRCh37 (hg19) VCF-style: chr1-236883482-T-C.
Other names: c.439T>C, p.Ser147Pro (NM_001278343.2); c.-383T>C (NM_001278344.2); short protein forms S147P.
Identifiers: ClinVar variation 263761 (VCV000263761.8), dbSNP rs886038915, ClinGen allele CA10587425.